The following is an entry in ClinVar:

ClinVar aggregate classification (germline): Likely benign. Review status: criteria provided, multiple submitters, no conflicts (2 of 4 stars). 3 submissions from 3 submitters: Likely benign (2). 1 of the submissions does not count toward it. Last evaluated 2026-08-01.

Conditions:
PHKB-related disorder. Also called: PHKB-related condition.
Glycogen storage disease IXb (GSD9B). Also called: PHOSPHORYLASE KINASE DEFICIENCY OF LIVER AND MUSCLE, AUTOSOMAL RECESSIVE; GLYCOGENOSIS OF LIVER AND MUSCLE, AUTOSOMAL RECESSIVE; GSD IXb. Identifiers: Orphanet 79240, MedGen C0543514, MONDO:0009868, OMIM 261750.

Allele frequency attached by ClinVar (database versions not stated): TOPMed 0.00001; ExAC 0.00002; gnomAD exomes 0.00002; gnomAD 0.00003.
gnomAD v4.1: 24 of 1,614,024 alleles (0.0015%); highest among the groups gnomAD compares: African/African-American, 0.0053%; no homozygotes.

Submissions (3):

CeGaT Center for Human Genetics Tuebingen
Classification: Likely benign. Last evaluated: 2026-08-01. Review status: criteria provided, single submitter. Criteria: CeGaT Center For Human Genetics Tuebingen Variant Classification Criteria Version 2. Collection method: clinical testing. Allele origin: germline. Affected: yes. Observed: 1 variant allele.
Comment: PHKB: BP4, BP7

Labcorp Genetics (formerly Invitae), Labcorp
Classification: Likely benign for Glycogen storage disease IXb. Last evaluated: 2025-09-16. Review status: criteria provided, single submitter. Criteria: Invitae Variant Classification Sherloc (09022015). Collection method: clinical testing. Allele origin: germline.

PreventionGenetics, part of Exact Sciences
Classification: Likely benign for PHKB-related condition. Last evaluated: 2020-01-02. Review status: no assertion criteria provided. Collection method: clinical testing. Allele origin: germline. Not counted in ClinVar's aggregate classification.
Comment: This variant is classified as likely benign based on ACMG/AMP sequence variant interpretation guidelines (Richards et al. 2015 PMID: 25741868, with internal and published modifications).

NM_000293.3(PHKB):c.204C>T (p.Thr68=)

Genes: PHKB (phosphorylase kinase regulatory subunit beta; plus strand), LOC112449713 (Sharpr-MPRA regulatory region 10524; plus strand). Cytogenetic location: 16q12.1.
Variant type: single nucleotide variant.
Coding change: c.204C>T on transcript NM_000293.3 (MANE Select); coding-DNA position 204, C replaced by T.
Protein change: p.Thr68=; no amino-acid change (threonine 68 retained).
Molecular consequence: synonymous variant.
Genome position (GRCh38, 1-based): chr16:47,499,793, C>T. VCF-style: chr16-47499793-C-T. GRCh37 (hg19) VCF-style: chr16-47533704-C-T.
Other names: c.183C>T (NM_001031835.2); c.183C>T, p.Thr61= (NM_001031835.3); c.204C>T, p.Thr68= (NM_001363837.1).
Identifiers: ClinVar variation 319328 (VCV000319328.12), dbSNP rs759882590, ClinGen allele CA8040401.